The following is an entry in ClinVar:

NM_015450.3(POT1):c.125-9831_236del

Gene: POT1 (protection of telomeres 1; minus strand). Cytogenetic location: 7q31.33.
Variant type: Deletion.
Coding change: c.125-9831_236del on transcript NM_015450.3 (MANE Select); 9831 bases into the intron before coding-DNA position 125 through coding-DNA position 236, 9,943 bases deleted.
Molecular consequence: splice acceptor variant. On other transcripts: intron variant (1).
Genome position (GRCh38, 1-based): chr7:124,870,930-124,880,872, 9,943 bases deleted. GRCh37 (hg19): chr7:124,510,989-124,520,931.
Other names: c.-139+11394_-138-7290del (NM_001042594.2).
Identifiers: ClinVar variation 3423106 (VCV003423106.1).

ClinVar aggregate classification (germline): Likely pathogenic (1 of 4 stars; one submission).

Conditions:
Hereditary cancer-predisposing syndrome. Also called: Neoplastic Syndromes, Hereditary; Tumor predisposition; Hereditary Cancer Syndrome; Hereditary neoplastic syndrome. Identifiers: Orphanet 140162, MedGen C0027672, MeSH D009386, MONDO:0015356.

Submission:

Ambry Genetics
Classification: Likely pathogenic for Hereditary cancer-predisposing syndrome. Last evaluated: 2024-08-13. Review status: criteria provided, single submitter. Criteria: Ambry Variant Classification Scheme 2023. Collection method: clinical testing. Allele origin: germline.
Comment: The c.125-9831_236del9943 gross deletion includes at least a portion of coding exon 3 in the POT1 gene. This variant has been observed in at least one individual with a personal and/or family history that is consistent with POT1-related tumor predisposition syndrome (Ambry internal data).This gross deletion occurs near the 5&rsquo; end of the POT1 gene and may escape NMD and/or be rescued by reinitiation (Rivas et al. Science. 2015 May 8;348(6235):666-9; Lindeboom et al. Nat Genet. 2016 Oct;48(10):1112-8; Rhee et al. Sci Rep. 2017 May 10;7(1):1653). The clinical impact of such events is currently unknown. However, gross deletions are typically deleterious in nature. Based on the majority of available evidence to date, this variant is likely to be pathogenic.